The following is an entry in ClinVar:

NM_016219.5(MAN1B1):c.49T>C (p.Ser17Pro)

Genes: MAN1B1 (mannosidase alpha class 1B member 1; plus strand), LOC130003078 (ATAC-STARR-seq lymphoblastoid active region 29343; plus strand). Cytogenetic location: 9q34.3.
Variant type: single nucleotide variant.
Coding change: c.49T>C on transcript NM_016219.5 (MANE Select); coding-DNA position 49, T replaced by C.
Protein change: p.Ser17Pro; replaces serine 17 with proline.
Molecular consequence: missense variant. On other transcripts: non-coding transcript variant (2).
Genome position (GRCh38, 1-based): chr9:137,087,048, T>C. VCF-style: chr9-137087048-T-C. GRCh37 (hg19) VCF-style: chr9-139981500-T-C.
Other names: c.-60T>C (NM_007230.1); short protein forms S17P.
Identifiers: ClinVar variation 2163985 (VCV002163985.4), dbSNP rs769925986, ClinGen allele CA5358443.
Genomic context (GRCh38, chr9:137,087,048, plus strand): 5'-GACGGCGCTGCGATGGCTGCCTGCGAGGGCAGGAGAAGCGGAGCTCTCGGTTCCTCTCAG[T>C]CGGACTTCCTGACGCCGCCAGTGGGCGGGGCCCCTTGGGCCGTCGCCACCACTGTAGTCA-3'
Protein context (NP_057303.2, residues 7-27): RRSGALGSSQ[Ser17Pro]DFLTPPVGGA

ClinVar aggregate classification (germline): Uncertain significance (1 of 4 stars; one submission).

Conditions:
Rafiq syndrome (RAFQS). Identifiers: Orphanet 88616, MedGen C3280127, MONDO:0013624, OMIM 614202.

Allele frequency attached by ClinVar (database versions not stated): ExAC 0.00002; gnomAD exomes 0.00002; TOPMed 0.00002; gnomAD 0.00003.
gnomAD v4.1: 41 of 1,604,436 alleles (0.0026%); highest among the groups gnomAD compares: Non-Finnish European, 0.0031%; no homozygotes.

Submission:

Labcorp Genetics (formerly Invitae), Labcorp
Classification: Uncertain significance for Rafiq syndrome. Last evaluated: 2025-03-17. Review status: criteria provided, single submitter. Criteria: Invitae Variant Classification Sherloc (09022015). Collection method: clinical testing. Allele origin: germline.
Comment: This sequence change replaces serine, which is neutral and polar, with proline, which is neutral and non-polar, at codon 17 of the MAN1B1 protein (p.Ser17Pro). This variant is present in population databases (rs769925986, gnomAD 0.004%). This variant has not been reported in the literature in individuals affected with MAN1B1-related conditions. ClinVar contains an entry for this variant (Variation ID: 2163985). An algorithm developed to predict the effect of missense changes on protein structure and function outputs the following: PolyPhen-2: "Benign". The proline amino acid residue is found in multiple mammalian species, which suggests that this missense change does not adversely affect protein function. In summary, the available evidence is currently insufficient to determine the role of this variant in disease. Therefore, it has been classified as a Variant of Uncertain Significance.